The following is an entry in ClinVar:

ClinVar aggregate classification (germline): Likely benign. Review status: criteria provided, multiple submitters, no conflicts (2 of 4 stars). 2 submissions from 2 submitters: Likely benign (2). Last evaluated 2025-12-22.

Allele frequency attached by ClinVar (database versions not stated): gnomAD 0.00001; TOPMed 0.00001; gnomAD exomes 0.00002; ExAC 0.00010.
gnomAD v4.1: 29 of 1,553,856 alleles (0.0019%); highest among the groups gnomAD compares: South Asian, 0.018%; no homozygotes.

Submissions (2):

Labcorp Genetics (formerly Invitae), Labcorp
Classification: Likely benign. Last evaluated: 2025-12-22. Review status: criteria provided, single submitter. Criteria: Invitae Variant Classification Sherloc (09022015). Collection method: clinical testing. Allele origin: germline.

CeGaT Center for Human Genetics Tuebingen
Classification: Likely benign. Last evaluated: 2024-02-01. Review status: criteria provided, single submitter. Criteria: CeGaT Center For Human Genetics Tuebingen Variant Classification Criteria Version 2. Collection method: clinical testing. Allele origin: germline. Affected: yes. Observed: 1 variant allele.
Comment: SERPINF1: BP4, BP7

NM_002615.7(SERPINF1):c.78G>A (p.Pro26=)

Gene: SERPINF1 (serpin family F member 1; plus strand). Cytogenetic location: 17p13.3.
Variant type: single nucleotide variant.
Coding change: c.78G>A on transcript NM_002615.7 (MANE Select); coding-DNA position 78, G replaced by A.
Protein change: p.Pro26=; no amino-acid change (proline 26 retained).
Molecular consequence: synonymous variant. On other transcripts: intron variant (1).
Genome position (GRCh38, 1-based): chr17:1,766,988, G>A. VCF-style: chr17-1766988-G-A. GRCh37 (hg19) VCF-style: chr17-1670282-G-A.
Other names: c.78G>A, p.Pro26= (NM_001329903.2); c.-477-2864G>A (NM_001329904.2).
Identifiers: ClinVar variation 3026175 (VCV003026175.24), dbSNP rs774600142, ClinGen allele CA8274514.